The following is an entry in ClinVar:

ClinVar aggregate classification (germline): Likely benign. Review status: criteria provided, multiple submitters, no conflicts (2 of 4 stars). 4 submissions from 4 submitters: Likely benign (3). 1 of the submissions does not count toward it. Last evaluated 2025-11-04.

Conditions:
ZNF423-related disorder. Also called: ZNF423-related condition.
Nephronophthisis 14 (NPHP14). Identifiers: Orphanet 2318, MedGen C3539071, MONDO:0013916, OMIM 614844.

Allele frequency attached by ClinVar (database versions not stated): ExAC 0.00005; gnomAD exomes 0.00006 and 0.00004; gnomAD 0.00002; TOPMed 0.00003.
gnomAD v4.1: 59 of 1,614,008 alleles (0.0037%); highest among the groups gnomAD compares: Middle Eastern, 0.099%; no homozygotes.

Submissions (4):

Labcorp Genetics (formerly Invitae), Labcorp
Classification: Likely benign for Nephronophthisis 14. Last evaluated: 2025-11-04. Review status: criteria provided, single submitter. Criteria: Invitae Variant Classification Sherloc (09022015). Collection method: clinical testing. Allele origin: germline.

Blueprint Genetics
Classification: Likely benign. Last evaluated: 2024-08-21. Review status: criteria provided, single submitter. Criteria: ACMG Guidelines, 2015. Collection method: clinical testing. Allele origin: germline.

Breakthrough Genomics
Classification: Likely benign. Review status: criteria provided, single submitter. Criteria: ACMG Guidelines, 2015. Collection method: not provided. Allele origin: germline. Inheritance: Autosomal dominant inheritance. Affected: yes.

PreventionGenetics, part of Exact Sciences
Classification: Likely benign for ZNF423-related condition. Last evaluated: 2021-08-09. Review status: no assertion criteria provided. Collection method: clinical testing. Allele origin: germline. Not counted in ClinVar's aggregate classification.
Comment: This variant is classified as likely benign based on ACMG/AMP sequence variant interpretation guidelines (Richards et al. 2015 PMID: 25741868, with internal and published modifications).

NM_001379286.1(ZNF423):c.231C>T (p.Cys77=)

Gene: ZNF423 (zinc finger protein 423; minus strand). Cytogenetic location: 16q12.1.
Variant type: single nucleotide variant.
Coding change: c.231C>T on transcript NM_001379286.1 (MANE Select); coding-DNA position 231, C replaced by T.
Protein change: p.Cys77=; no amino-acid change (cysteine 77 retained).
Molecular consequence: synonymous variant.
Genome position (GRCh38, 1-based): chr16:49,730,841, G>A on the plus strand (C>T on the coding strand, the complement: ZNF423 is on the minus strand). VCF-style: chr16-49730841-G-A. GRCh37 (hg19) VCF-style: chr16-49764752-G-A.
Other names: c.27C>T, p.Cys9= (NM_001271620.2); c.207C>T, p.Cys69= (NM_015069.5); c.207C>T (NM_015069.4).
Identifiers: ClinVar variation 1090059 (VCV001090059.13), dbSNP rs767825226, ClinGen allele CA8046936.